The following is an entry in ClinVar:

ClinVar aggregate classification (germline): Uncertain significance (1 of 4 stars; one submission).

Allele frequency attached by ClinVar (database versions not stated): gnomAD 0.00002.
gnomAD v4.1: 25 of 1,613,970 alleles (0.0015%); highest among the groups gnomAD compares: Middle Eastern, 0.049%; no homozygotes.

Submission:

Labcorp Genetics (formerly Invitae), Labcorp
Classification: Uncertain significance. Last evaluated: 2023-02-25. Review status: criteria provided, single submitter. Criteria: Invitae Variant Classification Sherloc (09022015). Collection method: clinical testing. Allele origin: germline.
Comment: In summary, the available evidence is currently insufficient to determine the role of this variant in disease. Therefore, it has been classified as a Variant of Uncertain Significance. Algorithms developed to predict the effect of missense changes on protein structure and function output the following: SIFT: "Not Available"; PolyPhen-2: "Benign"; Align-GVGD: "Not Available". The leucine amino acid residue is found in multiple mammalian species, which suggests that this missense change does not adversely affect protein function. This missense change has been observed in individual(s) with hypogonadotropic hypogonadism (PMID: 30467832). This variant is present in population databases (no rsID available, gnomAD 0.006%). This sequence change replaces valine, which is neutral and non-polar, with leucine, which is neutral and non-polar, at codon 1251 of the CCDC141 protein (p.Val1251Leu).

Literature cited by the submitters: PubMed 30467832.

NM_173648.4(CCDC141):c.3751G>T (p.Val1251Leu)

Gene: CCDC141 (coiled-coil domain containing 141; minus strand). Cytogenetic location: 2q31.2.
Variant type: single nucleotide variant.
Coding change: c.3751G>T on transcript NM_173648.4 (MANE Select); coding-DNA position 3751, G replaced by T.
Protein change: p.Val1251Leu; replaces valine 1251 with leucine.
Molecular consequence: missense variant.
Genome position (GRCh38, 1-based): chr2:178,837,468, C>A on the plus strand (G>T on the coding strand, the complement: CCDC141 is on the minus strand). VCF-style: chr2-178837468-C-A. GRCh37 (hg19) VCF-style: chr2-179702195-C-A.
Other names: short protein forms V1251L.
Identifiers: ClinVar variation 2742026 (VCV002742026.3), dbSNP rs888332352, ClinGen allele CA61008414.